The following is an entry in ClinVar:

NC_012920.1(MT-CO3):m.9247G>C

Gene: MT-CO3 (mitochondrially encoded cytochrome c oxidase III; plus strand).
Variant type: single nucleotide variant.
Genome position: chrM-9247-G-C.
Identifiers: ClinVar variation 1708973 (VCV001708973.2), dbSNP rs1553140066, ClinGen allele CA414802523.

ClinVar aggregate classification (germline): Uncertain significance (1 of 4 stars; one submission).

Conditions:
MELAS syndrome (MELAS). Also called: Juvenile myopathy, encephalopathy, lactic acidosis, stroke. Identifiers: Orphanet 550, MedGen C0162671, MONDO:0010789, OMIM 540000.

Submission:

MGZ Medical Genetics Center
Classification: Uncertain significance for MELAS syndrome. Last evaluated: 2021-12-01. Review status: criteria provided, single submitter. Criteria: ACMG Guidelines, 2015. Collection method: clinical testing. Allele origin: germline. Affected: yes. Observed: 2 variant alleles.
Comment: ACMG criteria applied: PM2_SUP